The following is an entry in ClinVar:

ClinVar aggregate classification (germline): Uncertain significance (1 of 4 stars; one submission).

Conditions:
Hereditary sensory neuropathy-deafness-dementia syndrome. Also called: NEUROPATHY, HEREDITARY SENSORY, WITH HEARING LOSS AND DEMENTIA; Hereditary Sensory and Autonomic Neuropathy Type 1E (HSAN1E); Hereditary sensory neuropathy type IE; HSN IE. Identifiers: Orphanet 456318, MedGen C3279885, MONDO:0013584, OMIM 614116.

Submission:

Labcorp Genetics (formerly Invitae), Labcorp
Classification: Uncertain significance for Hereditary sensory neuropathy-deafness-dementia syndrome. Last evaluated: 2023-09-25. Review status: criteria provided, single submitter. Criteria: Invitae Variant Classification Sherloc (09022015). Collection method: clinical testing. Allele origin: germline.
Comment: An algorithm developed to predict the effect of missense changes on protein structure and function (PolyPhen-2) suggests that this variant is likely to be tolerated. In summary, the available evidence is currently insufficient to determine the role of this variant in disease. Therefore, it has been classified as a Variant of Uncertain Significance. This sequence change replaces asparagine, which is neutral and polar, with tyrosine, which is neutral and polar, at codon 100 of the DNMT1 protein (p.Asn100Tyr). This variant is not present in population databases (gnomAD no frequency). This variant has not been reported in the literature in individuals affected with DNMT1-related conditions.

NM_001130823.3(DNMT1):c.298A>T (p.Asn100Tyr)

Gene: DNMT1 (DNA methyltransferase 1; minus strand). Cytogenetic location: 19p13.2.
Variant type: single nucleotide variant.
Coding change: c.298A>T on transcript NM_001130823.3 (MANE Select); coding-DNA position 298, A replaced by T.
Protein change: p.Asn100Tyr; replaces asparagine 100 with tyrosine.
Molecular consequence: missense variant. On other transcripts: 5 prime UTR variant (1).
Genome position (GRCh38, 1-based): chr19:10,180,497, T>A on the plus strand (A>T on the coding strand, the complement: DNMT1 is on the minus strand). VCF-style: chr19-10180497-T-A. GRCh37 (hg19) VCF-style: chr19-10291173-T-A.
Other names: c.298A>T, p.Asn100Tyr (NM_001318730.2, NM_001379.4); c.-66A>T (NM_001318731.2); short protein forms N100Y.
Identifiers: ClinVar variation 3000355 (VCV003000355.3), dbSNP rs2513892895, ClinGen allele CA403946576.